The following is an entry in ClinVar:

NM_001379403.1(WDR26):c.336_338del (p.Gly125del)

Gene: WDR26 (WD repeat domain 26; minus strand). Cytogenetic location: 1q42.12.
Variant type: Deletion.
Coding change: c.336_338del on transcript NM_001379403.1 (MANE Select); coding-DNA positions 336 to 338, 3 bases deleted (TGG; older notation c.336_338delTGG).
Protein change: p.Gly125del; deletes glycine 125.
Molecular consequence: inframe deletion.
Genome position (GRCh38, 1-based): chr1:224,434,068-224,434,070, CCA deleted on the plus strand (TGG on the coding strand, the reverse complement: WDR26 is on the minus strand); deleting any 3 consecutive bases within chr1:224,434,068-224,434,072 gives the same sequence; the c. name uses the placement nearest the transcript's 3' end. VCF-style (leftmost placement, unchanged base first): chr1-224434067-GCCA-G. GRCh37 (hg19) VCF-style: chr1-224621769-GCCA-G.
Other names: c.36_38del, p.Gly25del (NM_001115113.3, NM_025160.7); short protein forms G125del, G25del.
Identifiers: ClinVar variation 3189919 (VCV003189919.18), dbSNP rs1421242465, ClinGen allele CA529467426.

ClinVar aggregate classification (germline): Likely benign. Review status: criteria provided, multiple submitters, no conflicts (2 of 4 stars). 3 submissions from 3 submitters: Likely benign (3). Last evaluated 2026-02-01.

Conditions:
Inborn genetic diseases. Identifiers: MedGen C0950123, MeSH D030342.

Submissions (3):

CeGaT Center for Human Genetics Tuebingen
Classification: Likely benign. Last evaluated: 2026-02-01. Review status: criteria provided, single submitter. Criteria: CeGaT Center For Human Genetics Tuebingen Variant Classification Criteria Version 2. Collection method: clinical testing. Allele origin: germline. Affected: yes. Observed: 2 variant alleles.
Comment: WDR26: BP3

Blueprint Genetics
Classification: Likely benign. Last evaluated: 2024-05-09. Review status: criteria provided, single submitter. Criteria: ACMG Guidelines, 2015. Collection method: clinical testing. Allele origin: germline.

Ambry Genetics
Classification: Likely benign for Inborn genetic diseases. Last evaluated: 2021-11-19. Review status: criteria provided, single submitter. Criteria: Ambry Variant Classification Scheme 2023. Collection method: clinical testing. Allele origin: germline.